The following is an entry in ClinVar:

ClinVar aggregate classification (germline): Likely pathogenic (1 of 4 stars; one submission).

Allele frequency attached by ClinVar (database versions not stated): TOPMed below 0.00001; gnomAD 0.00001; gnomAD exomes 0.00001.
gnomAD v4.1: 9 of 1,589,878 alleles (0.00057%); highest among the groups gnomAD compares: Non-Finnish European, 0.00077%; no homozygotes.

Submission:

Labcorp Genetics (formerly Invitae), Labcorp
Classification: Likely pathogenic. Last evaluated: 2025-05-09. Review status: criteria provided, single submitter. Criteria: Invitae Variant Classification Sherloc (09022015). Collection method: clinical testing. Allele origin: germline.
Comment: This sequence change falls in intron 61 of the ADGRV1 gene. It does not directly change the encoded amino acid sequence of the ADGRV1 protein. This variant is present in population databases (no rsID available, gnomAD 0.007%). This variant has been observed in individual(s) with clinical features of Usher syndrome (internal data). In at least one individual the data is consistent with being in trans (on the opposite chromosome) from a pathogenic variant. ClinVar contains an entry for this variant (Variation ID: 2783844). Algorithms developed to predict the effect of sequence changes on RNA splicing suggest that this variant may disrupt the consensus splice site. In summary, the currently available evidence indicates that the variant is pathogenic, but additional data are needed to prove that conclusively. Therefore, this variant has been classified as Likely Pathogenic.

NM_032119.4(ADGRV1):c.12528-17T>G

Gene: ADGRV1 (adhesion G protein-coupled receptor V1; plus strand). Cytogenetic location: 5q14.3.
Variant type: single nucleotide variant.
Coding change: c.12528-17T>G on transcript NM_032119.4 (MANE Select); 17 bases into the intron before coding-DNA position 12528, T replaced by G.
Molecular consequence: intron variant.
Genome position (GRCh38, 1-based): chr5:90,777,888, T>G. VCF-style: chr5-90777888-T-G. GRCh37 (hg19) VCF-style: chr5-90073705-T-G.
Identifiers: ClinVar variation 2783844 (VCV002783844.3), dbSNP rs1362592984, ClinGen allele CA560906525.